The following is an entry in ClinVar:

NM_033004.4(NLRP1):c.2176C>T (p.Arg726Trp)

Gene: NLRP1 (NLR family pyrin domain containing 1; minus strand). Cytogenetic location: 17p13.2.
Variant type: single nucleotide variant.
Coding change: c.2176C>T on transcript NM_033004.4 (MANE Select); coding-DNA position 2176, C replaced by T.
Protein change: p.Arg726Trp; replaces arginine 726 with tryptophan.
Molecular consequence: missense variant.
Genome position (GRCh38, 1-based): chr17:5,558,520, G>A on the plus strand (C>T on the coding strand, the complement: NLRP1 is on the minus strand). VCF-style: chr17-5558520-G-A. GRCh37 (hg19) VCF-style: chr17-5461840-G-A.
Other names: NLRP1, ARG726TRP (rs776245016); NM_001033053.2:c.2176C>T(p.Arg726Trp); NM_014922.4:c.2176C>T(p.Arg726Trp); NM_033004.3:c.2176C>T(p.Arg726Trp); NM_033006.3:c.2176C>T(p.Arg726Trp); NM_033007.3:c.2176C>T(p.Arg726Trp); c.2176C>T, p.Arg726Trp (NM_001033053.3, NM_014922.5, NM_033006.4 and 1 more transcripts); short protein forms R726W.
Identifiers: ClinVar variation 393319 (VCV000393319.11), dbSNP rs776245016, ClinGen allele CA8327238.

ClinVar aggregate classification (germline): Uncertain significance. Review status: criteria provided, multiple submitters, no conflicts (2 of 4 stars). 3 submissions from 3 submitters: Uncertain significance (2). 1 of the submissions does not count toward it. Last evaluated 2023-08-22.

Conditions:
Autoinflammation with arthritis and dyskeratosis (AIADK). Identifiers: MedGen C4479278, MONDO:0060457, OMIM 617388.

Allele frequency attached by ClinVar (database versions not stated): gnomAD 0.00001; TOPMed 0.00001; gnomAD exomes 0.00002; ExAC 0.00004.

Submissions (3):

Labcorp Genetics (formerly Invitae), Labcorp
Classification: Uncertain significance. Last evaluated: 2023-08-22. Review status: criteria provided, single submitter. Criteria: Invitae Variant Classification Sherloc (09022015). Collection method: clinical testing. Allele origin: germline.
Comment: This sequence change replaces arginine, which is basic and polar, with tryptophan, which is neutral and slightly polar, at codon 726 of the NLRP1 protein (p.Arg726Trp). This variant is present in population databases (rs776245016, gnomAD 0.005%). This missense change has been observed in individual(s) with autoinflammation with arthritis and dyskeratosis (PMID: 27965258). ClinVar contains an entry for this variant (Variation ID: 393319). An algorithm developed to predict the effect of missense changes on protein structure and function (PolyPhen-2) suggests that this variant is likely to be disruptive. In summary, the available evidence is currently insufficient to determine the role of this variant in disease. Therefore, it has been classified as a Variant of Uncertain Significance.

SIB Swiss Institute of Bioinformatics
Classification: Uncertain significance for Autoinflammation with arthritis and dyskeratosis. Last evaluated: 2018-04-16. Review status: criteria provided, single submitter. Criteria: ACMG Guidelines, 2015. Collection method: curation. Allele origin: germline.
Comment: This variant is interpreted as a Uncertain Significance, for Autoinflammation with arthritis and dyskeratosis, Autosomal Recessive inheritance. The following ACMG Tag(s) were applied: PM2 => Absent from controls (or at extremely low frequency if recessive) in Exome Sequencing Project, 1000 Genomes Project, or Exome Aggregation Consortium. PP1 => Cosegregation with disease in multiple affected family members in a gene definitively known to cause the disease (PMID:27965258).

OMIM
Classification: Pathogenic for AUTOINFLAMMATION WITH ARTHRITIS AND DYSKERATOSIS. Last evaluated: 2023-04-25. Review status: no assertion criteria provided. Collection method: literature only. Allele origin: germline. Not counted in ClinVar's aggregate classification.

Literature cited by the submitters: PubMed 27965258 (cited by 3 submitters); PubMed 16918630 (cited by OMIM); PubMed 30291141 (cited by OMIM).